The following is an entry in ClinVar:

ClinVar aggregate classification (germline): Pathogenic. Review status: reviewed by expert panel (3 of 4 stars). 4 submissions from 4 submitters: Pathogenic (1). 3 of the submissions do not count toward it. Last evaluated 2016-10-18.

Conditions:
Hereditary cancer-predisposing syndrome. Also called: Tumor predisposition; Neoplastic Syndromes, Hereditary; Hereditary neoplastic syndrome; Hereditary Cancer Syndrome. Identifiers: Orphanet 140162, MedGen C0027672, MeSH D009386, MONDO:0015356.
Familial cancer of breast. Also called: Hereditary breast cancer; BREAST CANCER, FAMILIAL; hereditary breast carcinoma. Identifiers: Orphanet 227535, MedGen C0346153, MONDO:0016419, OMIM 114480. Disease mechanism: loss of function.
Breast-ovarian cancer, familial, susceptibility to, 2 (BROVCA2). Also called: BRCA2 Hereditary Breast and Ovarian Cancer. Identifiers: Orphanet 145, MedGen C2675520, MONDO:0012933, OMIM 612555. Disease mechanism: loss of function.

Submissions (4):

Evidence-based Network for the Interpretation of Germline Mutant Alleles (ENIGMA)
Classification: Pathogenic for Breast-ovarian cancer, familial, susceptibility to, 2. Last evaluated: 2016-10-18. Review status: reviewed by expert panel. Criteria: ENIGMA BRCA1/2 Classification Criteria (2015). Collection method: curation. Allele origin: germline.
Comment: Variant allele predicted to encode a truncated non-functional protein.

Ambry Genetics
Classification: Pathogenic for Hereditary cancer-predisposing syndrome. Last evaluated: 2025-05-05. Review status: criteria provided, single submitter. Criteria: Ambry Variant Classification Scheme 2023. Collection method: clinical testing. Allele origin: germline. Not counted in ClinVar's aggregate classification.
Comment: The p.S37* pathogenic mutation (also known as c.110C>G), located in coding exon 2 of the BRCA2 gene, results from a C to G substitution at nucleotide position 110. This changes the amino acid from a serine to a stop codon within coding exon 2. This variant was observed in an individual with early onset-breast cancer amongst a cohort of 1781 non-Ashkenazi Jewish individuals undergoing BRCA1/2 gene testing based on a personal history of breast cancer (Tung N et al. Cancer, 2015 Jan;121:25-33). This variant is considered to be rare based on population cohorts in the Genome Aggregation Database (gnomAD). This alteration is expected to result in loss of function by premature protein truncation or nonsense-mediated mRNA decay. As such, this alteration is interpreted as a disease-causing mutation.

Baylor Genetics
Classification: Pathogenic for Familial cancer of breast. Last evaluated: 2023-11-22. Review status: criteria provided, single submitter. Criteria: ACMG Guidelines, 2015. Collection method: clinical testing. Allele origin: unknown. Not counted in ClinVar's aggregate classification.

Consortium of Investigators of Modifiers of BRCA1/2 (CIMBA), c/o University of Cambridge
Classification: Pathogenic for Breast-ovarian cancer, familial, susceptibility to, 2. Last evaluated: 2015-10-02. Review status: criteria provided, single submitter. Criteria: CIMBA Mutation Classification guidelines May 2016. Collection method: clinical testing. Allele origin: germline. Not counted in ClinVar's aggregate classification.

Literature cited by the submitters: PubMed 25186627 (cited by Ambry Genetics).

NM_000059.4(BRCA2):c.110C>G (p.Ser37Ter)

Gene: BRCA2 (BRCA2 DNA repair associated; plus strand). Cytogenetic location: 13q13.1.
Variant type: single nucleotide variant.
Coding change: c.110C>G on transcript NM_000059.4 (MANE Select); coding-DNA position 110, C replaced by G.
Protein change: p.Ser37Ter; replaces serine 37 with a stop codon.
Molecular consequence: nonsense.
Genome position (GRCh38, 1-based): chr13:32,319,119, C>G. VCF-style: chr13-32319119-C-G. GRCh37 (hg19) VCF-style: chr13-32893256-C-G.
Other names: 338C>G; short protein forms S37*.
Identifiers: ClinVar variation 266611 (VCV000266611.9), dbSNP rs886040346, ClinGen allele CA10589010.